The following is an entry in ClinVar:

ClinVar aggregate classification (germline): Uncertain significance. Review status: criteria provided, multiple submitters, no conflicts (2 of 4 stars). 2 submissions from 2 submitters: Uncertain significance (2). Last evaluated 2025-08-02.

Conditions:
EPILEPSY, CHILDHOOD ABSENCE, SUSCEPTIBILITY TO, 2 (ECA2). Identifiers: Orphanet 64280, MedGen C1843244, OMIM 607681.
Febrile seizures, familial, 8 (FEB8). Also called: CONVULSIONS, FAMILIAL FEBRILE, 8. Identifiers: Orphanet 36387, MedGen C1969810, MONDO:0011891, OMIM 607681.

Allele frequency attached by ClinVar (database versions not stated): gnomAD exomes below 0.00001.

Submissions (2):

Labcorp Genetics (formerly Invitae), Labcorp
Classification: Uncertain significance for Febrile seizures, familial, 8; EPILEPSY, CHILDHOOD ABSENCE, SUSCEPTIBILITY TO, 2. Last evaluated: 2025-08-02. Review status: criteria provided, single submitter. Criteria: Invitae Variant Classification Sherloc (09022015). Collection method: clinical testing. Allele origin: germline.
Comment: This sequence change replaces aspartic acid, which is acidic and polar, with valine, which is neutral and non-polar, at codon 299 of the GABRG2 protein (p.Asp299Val). This variant is not present in population databases (gnomAD no frequency). This variant has not been reported in the literature in individuals affected with GABRG2-related conditions. ClinVar contains an entry for this variant (Variation ID: 493422). Invitae Evidence Modeling of protein sequence and biophysical properties (such as structural, functional, and spatial information, amino acid conservation, physicochemical variation, residue mobility, and thermodynamic stability) indicates that this missense variant is expected to disrupt GABRG2 protein function with a positive predictive value of 95%. In summary, the available evidence is currently insufficient to determine the role of this variant in disease. Therefore, it has been classified as a Variant of Uncertain Significance.

CeGaT Center for Human Genetics Tuebingen
Classification: Uncertain significance. Last evaluated: 2017-07-01. Review status: criteria provided, single submitter. Criteria: CeGaT Center For Human Genetics Tuebingen Variant Classification Criteria Version 2. Collection method: clinical testing. Allele origin: germline. Affected: yes. Observed: 1 variant allele.

NM_198904.4(GABRG2):c.896A>T (p.Asp299Val)

Gene: GABRG2 (gamma-aminobutyric acid type A receptor subunit gamma2; plus strand). Cytogenetic location: 5q34.
Variant type: single nucleotide variant.
Coding change: c.896A>T on transcript NM_198904.4 (MANE Select); coding-DNA position 896, A replaced by T.
Protein change: p.Asp299Val; replaces aspartic acid 299 with valine.
Molecular consequence: missense variant.
Genome position (GRCh38, 1-based): chr5:162,142,290, A>T. VCF-style: chr5-162142290-A-T. GRCh37 (hg19) VCF-style: chr5-161569296-A-T.
Other names: c.896A>T, p.Asp299Val (NM_000816.3, NM_001375340.1); c.887A>T, p.Asp296Val (NM_001375339.1); c.893A>T, p.Asp298Val (NM_001375341.1, NM_001375342.1); c.1016A>T, p.Asp339Val (NM_001375343.1, NM_198903.2); c.935A>T, p.Asp312Val (NM_001375344.1); c.830A>T, p.Asp277Val (NM_001375345.1, NM_001375346.1); c.809A>T, p.Asp270Val (NM_001375347.1); c.476A>T, p.Asp159Val (NM_001375348.1, NM_001375350.1); and 1 more; short protein forms D339V, D299V, D159V, D204V, D270V, D277V, D296V, D298V.
Identifiers: ClinVar variation 493422 (VCV000493422.44), dbSNP rs1554100510, ClinGen allele CA362182229.